The following is an entry in ClinVar:

NM_004722.4(AP4M1):c.1342G>A (p.Ala448Thr)

Gene: AP4M1 (adaptor related protein complex 4 subunit mu 1; plus strand). Cytogenetic location: 7q22.1.
Variant type: single nucleotide variant.
Coding change: c.1342G>A on transcript NM_004722.4 (MANE Select); coding-DNA position 1342, G replaced by A.
Protein change: p.Ala448Thr; replaces alanine 448 with threonine.
Molecular consequence: missense variant.
Genome position (GRCh38, 1-based): chr7:100,106,862, G>A. VCF-style: chr7-100106862-G-A. GRCh37 (hg19) VCF-style: chr7-99704485-G-A.
Other names: c.1363G>A, p.Ala455Thr (NM_001363671.2); short protein forms A448T, A455T.
Identifiers: ClinVar variation 210207 (VCV000210207.28), dbSNP rs147738731, ClinGen allele CA206016.

ClinVar aggregate classification (germline): Conflicting classifications of pathogenicity. Review status: criteria provided, conflicting classifications (1 of 4 stars). 6 submissions from 6 submitters: Uncertain significance (3); Likely benign (2). 1 of the submissions does not count toward it. Last evaluated 2025-12-22.

Conditions:
AP4M1-related disorder. Also called: AP4M1-related condition.
Hereditary spastic paraplegia 50 (SPG50). Also called: Spastic paraplegia 50, autosomal recessive. Identifiers: Orphanet 280763, MedGen C2752008, MONDO:0013048, OMIM 612936.
Hereditary spastic paraplegia. Also called: Familial spastic paraparesis. Identifiers: Orphanet 685, MedGen C0037773, MONDO:0019064. Disease mechanism: loss of function.

Allele frequency attached by ClinVar (database versions not stated): ESP Exome Variant Server 0.00015; ExAC 0.00020; gnomAD 0.00023 and 0.00025; gnomAD exomes 0.00024 and 0.00026; TOPMed 0.00029.

Submissions (6):

Labcorp Genetics (formerly Invitae), Labcorp
Classification: Likely benign for Hereditary spastic paraplegia 50. Last evaluated: 2025-12-22. Review status: criteria provided, single submitter. Criteria: Invitae Variant Classification Sherloc (09022015). Collection method: clinical testing. Allele origin: germline.

GeneDx
Classification: Likely benign. Last evaluated: 2021-03-13. Review status: criteria provided, single submitter. Criteria: GeneDx Variant Classification Process June 2021. Collection method: clinical testing. Allele origin: germline. Affected: yes.
Comment: In silico analysis supports that this missense variant does not alter protein structure/function

Mayo Clinic Laboratories, Mayo Clinic
Classification: Uncertain significance. Last evaluated: 2020-03-09. Review status: criteria provided, single submitter. Criteria: ACMG Guidelines, 2015. Collection method: clinical testing. Allele origin: germline. Observed: 1 variant allele.

Genome Diagnostics Laboratory, The Hospital for Sick Children
Classification: Uncertain significance for Hereditary spastic paraplegia. Last evaluated: 2019-01-01. Review status: criteria provided, single submitter. Criteria: ACMG Guidelines, 2015. Collection method: clinical testing. Allele origin: germline. Affected: yes.

Genetic Services Laboratory, University of Chicago
Classification: Uncertain significance. Last evaluated: 2014-12-29. Review status: criteria provided, single submitter. Criteria: ACMG Guidelines, 2015. Collection method: clinical testing. Allele origin: germline.

PreventionGenetics, part of Exact Sciences
Classification: Likely benign for AP4M1-related condition. Last evaluated: 2023-02-22. Review status: no assertion criteria provided. Collection method: clinical testing. Allele origin: germline. Not counted in ClinVar's aggregate classification.
Comment: This variant is classified as likely benign based on ACMG/AMP sequence variant interpretation guidelines (Richards et al. 2015 PMID: 25741868, with internal and published modifications).